The following is an entry in ClinVar:

NM_001042492.3(NF1):c.232_235del (p.Asn78fs)

Gene: NF1 (neurofibromin 1; plus strand). Cytogenetic location: 17q11.2.
Variant type: Deletion.
Coding change: c.232_235del on transcript NM_001042492.3 (MANE Select); coding-DNA positions 232 to 235, 4 bases deleted (AATT; older notation c.232_235delAATT).
Protein change: p.Asn78fs; shifts the reading frame from asparagine 78.
Molecular consequence: frameshift variant.
Genome position (GRCh38, 1-based): chr17:31,159,037-31,159,040, AATT deleted. VCF-style (leftmost placement, unchanged base first): chr17-31159036-AAATT-A. GRCh37 (hg19) VCF-style: chr17-29486054-AAATT-A.
Other names: c.232_235del, p.Asn78fs (NM_001128147.3); c.232_235delAATT, p.Asn78Tyrfs (NM_000267.4); short protein forms N78fs.
Identifiers: ClinVar variation 1357334 (VCV001357334.6), dbSNP rs2143645748, ClinGen allele CA2573153541.
Genomic context (GRCh38, chr17:31,159,036, plus strand): 5'-CTAACTTTTATGTTCTGAATATCTTTTCTGTTAGAGAATATTTGGAGAAGCTGCTGAAAA[AAATT>A]TATATCTCTCTCAGTTGATTATATTGGATACACTGGAAAAATGTCTTGCTGGGGTAAGTA-3'

ClinVar aggregate classification (germline): Pathogenic (1 of 4 stars; one submission).

Conditions:
Neurofibromatosis, type 1 (NF1). Also called: NEUROFIBROMATOSIS, TYPE I, SOMATIC; VON RECKLINGHAUSEN DISEASE; Neurofibromatosis, type I; Peripheral type neurofibromatosis. Identifiers: Orphanet 636, MedGen C0027831, MONDO:0018975, OMIM 162200. Disease mechanism: loss of function.

Submission:

Labcorp Genetics (formerly Invitae), Labcorp
Classification: Pathogenic for Neurofibromatosis, type 1. Last evaluated: 2021-10-24. Review status: criteria provided, single submitter. Criteria: Invitae Variant Classification Sherloc (09022015). Collection method: clinical testing. Allele origin: germline.
Comment: This variant is not present in population databases (ExAC no frequency). This sequence change creates a premature translational stop signal (p.Asn78Tyrfs*6) in the NF1 gene. It is expected to result in an absent or disrupted protein product. Loss-of-function variants in NF1 are known to be pathogenic (PMID: 10712197, 23913538). This variant has not been reported in the literature in individuals with NF1-related conditions. For these reasons, this variant has been classified as Pathogenic.

Literature cited by the submitters: PubMed 10712197; PubMed 23913538.